The following is an entry in ClinVar:

ClinVar aggregate classification (germline): Uncertain significance (1 of 4 stars; one submission).

Conditions:
Parkinsonism with polyneuropathy. Identifiers: Orphanet 611237, MedGen C5543299, MONDO:0036193, OMIM 619279.

Allele frequency attached by ClinVar (database versions not stated): TOPMed 0.00002; gnomAD 0.00007; ESP Exome Variant Server 0.00008; 1000 Genomes Project 30x 0.00016; 1000 Genomes Project 0.00020.
gnomAD v4.1: 94 of 1,614,116 alleles (0.0058%); highest among the groups gnomAD compares: South Asian, 0.094%; 3 homozygotes.

Submission:

Neuberg Centre For Genomic Medicine, NCGM
Classification: Uncertain significance for Parkinsonism with polyneuropathy. Review status: criteria provided, single submitter. Criteria: ACMG Guidelines, 2015. Collection method: clinical testing. Allele origin: germline. Inheritance: Autosomal dominant inheritance. Affected: yes.
Comment: The observed missense c.736G>A(p.Ala246Thr) variant in UQCRC1 gene has not been reported previously as a pathogenic variant nor a benign variant, to our knowledge. The p.Ala246Thr variant has been reported with allele frequency of 0.01% in gnomAD Exomes. This variant has not been submitted to the ClinVar database. The amino acid change p.Ala246Thr in UQCRC1 is predicted as conserved by GERP++ and PhyloP across 100 vertebrates. The amino acid Ala at position 246 is changed to a Thr changing protein sequence and it might alter its composition and physico-chemical properties. For these reasons, this variant has been classified as a Variant of Uncertain Significance (VUS).

NM_003365.3(UQCRC1):c.736G>A (p.Ala246Thr)

Gene: UQCRC1 (ubiquinol-cytochrome c reductase core protein 1; minus strand). Cytogenetic location: 3p21.31.
Variant type: single nucleotide variant.
Coding change: c.736G>A on transcript NM_003365.3 (MANE Select); coding-DNA position 736, G replaced by A.
Protein change: p.Ala246Thr; replaces alanine 246 with threonine.
Molecular consequence: missense variant.
Genome position (GRCh38, 1-based): chr3:48,601,438, C>T on the plus strand (G>A on the coding strand, the complement: UQCRC1 is on the minus strand). VCF-style: chr3-48601438-C-T. GRCh37 (hg19) VCF-style: chr3-48638871-C-T.
Other names: short protein forms A246T.
Identifiers: ClinVar variation 3242192 (VCV003242192.1), dbSNP rs145767014.